The following is an entry in ClinVar:

ClinVar aggregate classification (germline): Pathogenic (1 of 4 stars; one submission).

Conditions:
Neurofibromatosis, type 1 (NF1). Also called: NEUROFIBROMATOSIS, TYPE I, SOMATIC; VON RECKLINGHAUSEN DISEASE; Neurofibromatosis, type I; Peripheral type neurofibromatosis. Identifiers: Orphanet 636, MedGen C0027831, MONDO:0018975, OMIM 162200. Disease mechanism: loss of function.

Submission:

Labcorp Genetics (formerly Invitae), Labcorp
Classification: Pathogenic for Neurofibromatosis, type 1. Last evaluated: 2020-10-25. Review status: criteria provided, single submitter. Criteria: Invitae Variant Classification Sherloc (09022015). Collection method: clinical testing. Allele origin: germline.
Comment: For these reasons, this variant has been classified as Pathogenic. This variant has been observed in individual(s) with clinical features of neurofibromatosis type 1 (PMID: 10607834). This variant is not present in population databases (ExAC no frequency). This sequence change creates a premature translational stop signal (p.Tyr489Leufs*2) in the NF1 gene. It is expected to result in an absent or disrupted protein product. Loss-of-function variants in NF1 are known to be pathogenic (PMID: 10712197, 23913538).

Literature cited by the submitters: PubMed 10607834; PubMed 10712197; PubMed 23913538.

NM_001042492.3(NF1):c.1465dup (p.Tyr489fs)

Gene: NF1 (neurofibromin 1; plus strand). Cytogenetic location: 17q11.2.
Variant type: Duplication.
Coding change: c.1465dup on transcript NM_001042492.3 (MANE Select); coding-DNA position 1465, one base duplicated (T; older notation c.1465dupT).
Protein change: p.Tyr489fs; shifts the reading frame from tyrosine 489.
Molecular consequence: frameshift variant.
Genome position (GRCh38, 1-based): chr17:31,214,523, T duplicated. VCF-style (leftmost placement, unchanged base first): chr17-31214522-C-CT. GRCh37 (hg19) VCF-style: chr17-29541540-C-CT.
Other names: c.1465dup, p.Tyr489Leufs (NM_000267.4); c.1465dup, p.Tyr489fs (NM_001128147.3); short protein forms Y489fs.
Identifiers: ClinVar variation 1361244 (VCV001361244.8), dbSNP rs2143959602, ClinGen allele CA2573153641.